The following is an entry in ClinVar:

NM_000377.3(WAS):c.1417G>A (p.Val473Met)

Gene: WAS (WASP actin nucleation promoting factor; plus strand). Cytogenetic location: Xp11.23.
Variant type: single nucleotide variant.
Coding change: c.1417G>A on transcript NM_000377.3 (MANE Select); coding-DNA position 1417, G replaced by A.
Protein change: p.Val473Met; replaces valine 473 with methionine.
Molecular consequence: missense variant.
Genome position (GRCh38, 1-based): chrX:48,689,398, G>A. VCF-style: chrX-48689398-G-A. GRCh37 (hg19) VCF-style: chrX-48547787-G-A.
Other names: short protein forms V473M.
Identifiers: ClinVar variation 2927700 (VCV002927700.3), dbSNP rs2519289050, ClinGen allele CA412873941.

ClinVar aggregate classification (germline): Uncertain significance (1 of 4 stars; one submission).

Conditions:
Wiskott-Aldrich syndrome (WAS). Also called: ALDRICH SYNDROME; IMMUNODEFICIENCY 2; WISKOTT-ALDRICH SYNDROME 1; Wiskott-aldrich syndrome, somatic. Identifiers: Orphanet 906, MedGen C0043194, MONDO:0010518, OMIM 301000.
X-linked severe congenital neutropenia (SCNX). Identifiers: Orphanet 86788, MedGen C1845987, MONDO:0010294, OMIM 300299.
Thrombocytopenia 1. Also called: X-linked thrombocytopenia with normal platelets; X-Linked Thrombocytopenia (XLT); THROMBOCYTOPENIA, X-LINKED, 1. Identifiers: Orphanet 268322, Orphanet 852, MedGen C1839163, MONDO:0010743, OMIM 313900.

Allele frequency attached by ClinVar (database versions not stated): gnomAD exomes below 0.00001.
gnomAD v4.1: 1 of 1,210,001 alleles (0.000083%); highest among the groups gnomAD compares: Non-Finnish European, 0.00011%; no homozygotes.

Submission:

Labcorp Genetics (formerly Invitae), Labcorp
Classification: Uncertain significance for Wiskott-Aldrich syndrome; X-linked severe congenital neutropenia; Thrombocytopenia 1. Last evaluated: 2023-06-27. Review status: criteria provided, single submitter. Criteria: Invitae Variant Classification Sherloc (09022015). Collection method: clinical testing. Allele origin: germline.
Comment: This sequence change replaces valine, which is neutral and non-polar, with methionine, which is neutral and non-polar, at codon 473 of the WAS protein (p.Val473Met). In summary, the available evidence is currently insufficient to determine the role of this variant in disease. Therefore, it has been classified as a Variant of Uncertain Significance. Advanced modeling of protein sequence and biophysical properties (such as structural, functional, and spatial information, amino acid conservation, physicochemical variation, residue mobility, and thermodynamic stability) performed at Invitae indicates that this missense variant is not expected to disrupt WAS protein function. This variant has not been reported in the literature in individuals affected with WAS-related conditions. This variant is not present in population databases (gnomAD no frequency).